The following is an entry in ClinVar:

ClinVar aggregate classification (germline): Uncertain significance (1 of 4 stars; one submission).

Conditions:
Inborn genetic diseases. Identifiers: MedGen C0950123, MeSH D030342.

Submission:

Ambry Genetics
Classification: Uncertain significance for Inborn genetic diseases. Last evaluated: 2026-06-22. Review status: criteria provided, single submitter. Criteria: Ambry Variant Classification Scheme 2023. Collection method: clinical testing. Allele origin: germline.
Comment: The p.N191S variant (also known as c.572A>G), located in coding exon 1 of the SAMD9L gene, results from an A to G substitution at nucleotide position 572. The asparagine at codon 191 is replaced by serine, an amino acid with highly similar properties. This amino acid position is conserved. In addition, this alteration is predicted to be tolerated by in silico analysis. Based on the available evidence, the clinical significance of this variant remains unclear.

NM_152703.5(SAMD9L):c.572A>G (p.Asn191Ser)

Gene: SAMD9L (sterile alpha motif domain containing 9 like; minus strand). Cytogenetic location: 7q21.2.
Variant type: single nucleotide variant.
Coding change: c.572A>G on transcript NM_152703.5 (MANE Select); coding-DNA position 572, A replaced by G.
Protein change: p.Asn191Ser; replaces asparagine 191 with serine.
Molecular consequence: missense variant.
Genome position (GRCh38, 1-based): chr7:93,135,400, T>C on the plus strand (A>G on the coding strand, the complement: SAMD9L is on the minus strand). VCF-style: chr7-93135400-T-C. GRCh37 (hg19) VCF-style: chr7-92764713-T-C.
Other names: c.572A>G, p.Asn191Ser (NM_001303496.3, NM_001303497.3, NM_001303498.3 and 5 more transcripts); short protein forms N191S.
Identifiers: ClinVar variation 5028848 (VCV005028848.1).